The following is an entry in ClinVar:

ClinVar aggregate classification (germline): Likely benign (1 of 4 stars; one submission).

Allele frequency attached by ClinVar (database versions not stated): TOPMed 0.00001.

Submission:

CeGaT Center for Human Genetics Tuebingen
Classification: Likely benign. Last evaluated: 2022-07-01. Review status: criteria provided, single submitter. Criteria: CeGaT Center For Human Genetics Tuebingen Variant Classification Criteria Version 2. Collection method: clinical testing. Allele origin: germline. Affected: yes. Observed: 1 variant allele.
Comment: ERCC6L: PM2:Supporting, BP4, BP7

NM_017669.4(ERCC6L):c.3297T>A (p.Leu1099=)

Genes: ERCC6L (ERCC excision repair 6 like DNA helicase; minus strand), PIN4 (peptidylprolyl cis/trans isomerase, NIMA-interacting 4; plus strand). Cytogenetic location: Xq13.1.
Variant type: single nucleotide variant.
Coding change: c.3297T>A on transcript NM_017669.4 (MANE Select); coding-DNA position 3297, T replaced by A.
Protein change: p.Leu1099=; no amino-acid change (leucine 1099 retained).
Molecular consequence: synonymous variant. On other transcripts: intron variant (1).
Genome position (GRCh38, 1-based): chrX:72,205,470, A>T on the plus strand (T>A on the coding strand, the complement: ERCC6L is on the minus strand). VCF-style: chrX-72205470-A-T. GRCh37 (hg19) VCF-style: chrX-71425320-A-T.
Other names: c.2928T>A, p.Leu976= (NM_001009954.3); c.312+8566A>T (NM_001170747.1).
Identifiers: ClinVar variation 2660908 (VCV002660908.22), dbSNP rs2042812431, ClinGen allele CA517032540.